The following is an entry in ClinVar:

ClinVar aggregate classification (germline): Likely benign. Review status: criteria provided, multiple submitters, no conflicts (2 of 4 stars). 2 submissions from 2 submitters: Likely benign (2). Last evaluated 2025-09-17.

Conditions:
PAX6-related disorder. Also called: PAX6-related disorders; PAX6-related condition.
Aniridia 1 (AN1). Identifiers: Orphanet 250923, MedGen C0344542, MONDO:0024507, OMIM 106210.
Irido-corneo-trabecular dysgenesis (ASGD5). Also called: ANTERIOR SEGMENT DYSGENESIS 5. Identifiers: Orphanet 708, MedGen C0344559, MONDO:0011414, OMIM 604229, HP:0000659.

Allele frequency attached by ClinVar (database versions not stated): gnomAD exomes 0.00002; ExAC 0.00003; gnomAD 0.00003 and 0.00004; TOPMed 0.00003; ESP Exome Variant Server 0.00008.
gnomAD v4.1: 30 of 1,612,124 alleles (0.0019%); highest among the groups gnomAD compares: South Asian, 0.014%; no homozygotes.

Submissions (2):

Labcorp Genetics (formerly Invitae), Labcorp
Classification: Likely benign for Aniridia 1; Irido-corneo-trabecular dysgenesis. Last evaluated: 2025-09-17. Review status: criteria provided, single submitter. Criteria: Invitae Variant Classification Sherloc (09022015). Collection method: clinical testing. Allele origin: germline.

PreventionGenetics, part of Exact Sciences
Classification: Likely benign for PAX6-related condition. Last evaluated: 2025-07-31. Review status: criteria provided, single submitter. Criteria: ACMG Guidelines, 2015. Collection method: clinical testing. Allele origin: germline.
Comment: This variant is classified as likely benign based on ACMG/AMP sequence variant interpretation guidelines (Richards et al. 2015 PMID: 25741868, with internal and published modifications).

NM_001368894.2(PAX6):c.1074+9G>A

Gene: PAX6 (paired box 6; minus strand). Cytogenetic location: 11p13.
Variant type: single nucleotide variant.
Coding change: c.1074+9G>A on transcript NM_001368894.2 (MANE Select); 9 bases into the intron after coding-DNA position 1074, G replaced by A.
Molecular consequence: intron variant. On other transcripts: synonymous variant (1).
Genome position (GRCh38, 1-based): chr11:31,793,429, C>T on the plus strand (G>A on the coding strand, the complement: PAX6 is on the minus strand). VCF-style: chr11-31793429-C-T. GRCh37 (hg19) VCF-style: chr11-31814977-C-T.
Other names: c.1041G>A, p.Ala347= (NM_001310159.1); c.1032+9G>A (NM_001127612.3, NM_001368890.2, NM_001368888.2 and 9 more transcripts); c.873+9G>A (NM_001368921.2, NM_001368923.2, NM_001368926.2 and 4 more transcripts); c.1074+9G>A (NM_001258462.3, NM_001310158.2, NM_001258463.2 and 6 more transcripts); c.1149+9G>A (NM_001368919.2, NM_001368918.2); c.1275+9G>A (NM_001368910.2); c.624+9G>A (NM_001368909.2, NM_001368904.2, NM_001368905.2 and 11 more transcripts); c.1077+9G>A (NM_001368911.2); and 3 more.
Identifiers: ClinVar variation 1595495 (VCV001595495.9), dbSNP rs376883598, ClinGen allele CA5933738.